The following is an entry in ClinVar:

NM_000256.3(MYBPC3):c.756C>A (p.Phe252Leu)

Gene: MYBPC3 (myosin binding protein C3; minus strand). Cytogenetic location: 11p11.2.
Variant type: single nucleotide variant.
Coding change: c.756C>A on transcript NM_000256.3 (MANE Select); coding-DNA position 756, C replaced by A.
Protein change: p.Phe252Leu; replaces phenylalanine 252 with leucine.
Molecular consequence: missense variant.
Genome position (GRCh38, 1-based): chr11:47,348,440, G>T on the plus strand (C>A on the coding strand, the complement: MYBPC3 is on the minus strand). VCF-style: chr11-47348440-G-T. GRCh37 (hg19) VCF-style: chr11-47369991-G-T.
Other names: c.756C>A, p.Phe252Leu (LRG_386t1); short protein forms F252L.
Identifiers: ClinVar variation 235022 (VCV000235022.17), dbSNP rs876661367, ClinGen allele CA10581163.

ClinVar aggregate classification (germline): Uncertain significance. Review status: criteria provided, multiple submitters, no conflicts (2 of 4 stars). 5 submissions from 5 submitters: Uncertain significance (5). Last evaluated 2025-05-26.

Conditions:
Cardiovascular phenotype. Identifiers: MedGen CN230736.
Hypertrophic cardiomyopathy. Also called: HYPERTROPHIC MYOCARDIOPATHY. Identifiers: Orphanet 217569, MedGen C0007194, MeSH D002312, MONDO:0005045, HP:0001639.

Submissions (5):

Labcorp Genetics (formerly Invitae), Labcorp
Classification: Uncertain significance for Hypertrophic cardiomyopathy. Last evaluated: 2025-05-26. Review status: criteria provided, single submitter. Criteria: Invitae Variant Classification Sherloc (09022015). Collection method: clinical testing. Allele origin: germline.
Comment: This sequence change replaces phenylalanine, which is neutral and non-polar, with leucine, which is neutral and non-polar, at codon 252 of the MYBPC3 protein (p.Phe252Leu). The frequency data for this variant in the population databases is considered unreliable, as metrics indicate poor data quality at this position in the gnomAD database. This missense change has been observed in individuals with clinical features of hypertrophic cardiomyopathy (PMID: 30297972, 32841044, 33782553; internal data). ClinVar contains an entry for this variant (Variation ID: 235022). An algorithm developed to predict the effect of missense changes on protein structure and function (PolyPhen-2) suggests that this variant is likely to be disruptive. In summary, the available evidence is currently insufficient to determine the role of this variant in disease. Therefore, it has been classified as a Variant of Uncertain Significance.

All of Us Research Program, National Institutes of Health
Classification: Uncertain significance for Hypertrophic cardiomyopathy. Last evaluated: 2023-12-18. Review status: criteria provided, single submitter. Criteria: ACMG Guidelines, 2015. Collection method: clinical testing. Allele origin: germline. Inheritance: Autosomal dominant inheritance. Observed: 1 variant allele, 1 heterozygote.
Comment: This missense variant replaces phenylalanine with leucine at codon 252 of the MYBPC3 protein. Computational prediction is inconclusive regarding the impact of this variant on protein structure and function (internally defined REVEL score threshold 0.5 < inconclusive < 0.7, PMID: 27666373). To our knowledge, functional studies have not been reported for this variant. This variant has been reported in an individual affected with hypertrophic cardiomyopathy (PMID: 30297972, 32841044). This variant has not been identified in the general population by the Genome Aggregation Database (gnomAD). The available evidence is insufficient to determine the role of this variant in disease conclusively. Therefore, this variant is classified as a Variant of Uncertain Significance.

This study involves interpretation of variants in research participants for the purpose of population health screening. Participant phenotype was not available at the time of variant classification. Additional details can be found in publication PMID: 35346344, PMCID: PMC8962531

Ambry Genetics
Classification: Uncertain significance for Cardiovascular phenotype. Last evaluated: 2020-10-06. Review status: criteria provided, single submitter. Criteria: Ambry Variant Classification Scheme 2023. Collection method: clinical testing. Allele origin: germline.
Comment: The p.F252L variant (also known as c.756C>A), located in coding exon 6 of the MYBPC3 gene, results from a C to A substitution at nucleotide position 756. The phenylalanine at codon 252 is replaced by leucine, an amino acid with highly similar properties. This alteration was detected in a hypertrophic cardiomyopathy (HCM) cohort; however, clinical details were limited (Ho CY et al. Circulation, 2018 10;138:1387-1398). This amino acid position is highly conserved in available vertebrate species. In addition, the in silico prediction for this alteration is inconclusive. Since supporting evidence is limited at this time, the clinical significance of this alteration remains unclear.

GeneDx
Classification: Uncertain significance. Last evaluated: 2019-11-07. Review status: criteria provided, single submitter. Criteria: GeneDx Variant Classification Process June 2021. Collection method: clinical testing. Allele origin: germline. Affected: yes.
Comment: Has not been previously published as pathogenic or benign to our knowledge; In silico analysis, which includes protein predictors and evolutionary conservation, supports a deleterious effect; This variant is associated with the following publications: (PMID: 30297972)

Stanford Center for Inherited Cardiovascular Disease, Stanford University
Classification: Uncertain significance. Last evaluated: 2011-11-09. Review status: criteria provided, single submitter. Criteria: ACMG Guidelines, 2015. Collection method: provider interpretation. Allele origin: germline.

Literature cited by the submitters: PubMed 30297972 (cited by 3 submitters); PubMed 32841044 (cited by Labcorp Genetics (formerly Invitae), Labcorp and All of Us Research Program, National Institutes of Health); PubMed 33782553 (cited by Labcorp Genetics (formerly Invitae), Labcorp).